The following is an entry in ClinVar:

NM_000285.4(PEPD):c.17+17C>T

Gene: PEPD (peptidase D; minus strand). Cytogenetic location: 19q13.11.
Variant type: single nucleotide variant.
Coding change: c.17+17C>T on transcript NM_000285.4 (MANE Select); 17 bases into the intron after coding-DNA position 17, C replaced by T.
Molecular consequence: intron variant.
Genome position (GRCh38, 1-based): chr19:33,521,727, G>A on the plus strand (C>T on the coding strand, the complement: PEPD is on the minus strand). VCF-style: chr19-33521727-G-A. GRCh37 (hg19) VCF-style: chr19-34012633-G-A.
Other names: p.?; c.17+17C>T (NM_001166057.2, NM_001166056.2).
Identifiers: ClinVar variation 1564897 (VCV001564897.9), dbSNP rs780949525, ClinGen allele CA9364541.

ClinVar aggregate classification (germline): Likely benign. Review status: criteria provided, multiple submitters, no conflicts (2 of 4 stars). 2 submissions from 2 submitters: Likely benign (2). Last evaluated 2025-08-09.

Allele frequency attached by ClinVar (database versions not stated): gnomAD exomes 0.00001 and 0.00004; ExAC 0.00008; gnomAD 0.00011; TOPMed 0.00011; 1000 Genomes Project 30x 0.00047.
gnomAD v4.1: 35 of 1,580,298 alleles (0.0022%); highest among the groups gnomAD compares: African/African-American, 0.039%; no homozygotes.

Submissions (2):

Labcorp Genetics (formerly Invitae), Labcorp
Classification: Likely benign. Last evaluated: 2025-08-09. Review status: criteria provided, single submitter. Criteria: Invitae Variant Classification Sherloc (09022015). Collection method: clinical testing. Allele origin: germline.

Mayo Clinic Laboratories, Mayo Clinic
Classification: Likely benign. Last evaluated: 2025-04-21. Review status: criteria provided, single submitter. Criteria: ACMG Guidelines, 2015. Collection method: clinical testing. Allele origin: germline. Observed: 1 variant allele.
Comment: BP4, BP7, PM2_supporting